The following is an entry in ClinVar:

ClinVar aggregate classification (germline): Pathogenic (1 of 4 stars; one submission).

Conditions:
Neurofibromatosis, type 1 (NF1). Also called: Neurofibromatosis, type I; NEUROFIBROMATOSIS, TYPE I, SOMATIC; Peripheral type neurofibromatosis; VON RECKLINGHAUSEN DISEASE. Identifiers: Orphanet 636, MedGen C0027831, MONDO:0018975, OMIM 162200. Disease mechanism: loss of function.

Submission:

Labcorp Genetics (formerly Invitae), Labcorp
Classification: Pathogenic for Neurofibromatosis, type 1. Last evaluated: 2026-01-26. Review status: criteria provided, single submitter. Criteria: Invitae Variant Classification Sherloc (09022015). Collection method: clinical testing. Allele origin: germline.
Comment: This sequence change creates a premature translational stop signal (p.Gln236Argfs*45) in the NF1 gene. It is expected to result in an absent or disrupted protein product. Loss-of-function variants in NF1 are known to be pathogenic (PMID: 10712197, 23913538). This variant is not present in population databases (gnomAD no frequency). This premature translational stop signal has been observed in individual(s) with neurofibromatosis 1 (PMID: 29498099). Invitae Evidence Modeling of clinical and family history, age, sex, and reported ancestry of multiple individuals with this NF1 variant has been performed. This variant is expected to be pathogenic with a positive predictive value of at least 99%. This is a validated machine learning model that incorporates the clinical features of 1,785,918 individuals referred to our laboratory for NF1 testing. ClinVar contains an entry for this variant (Variation ID: 2862751). For these reasons, this variant has been classified as Pathogenic.

Literature cited by the submitters: PubMed 10712197; PubMed 23913538; PubMed 29498099.

NM_001042492.3(NF1):c.707del (p.Gln236fs)

Gene: NF1 (neurofibromin 1; plus strand). Cytogenetic location: 17q11.2.
Variant type: Deletion.
Coding change: c.707del on transcript NM_001042492.3 (MANE Select); coding-DNA position 707, one base deleted (A; older notation c.707delA).
Protein change: p.Gln236fs; shifts the reading frame from glutamine 236.
Molecular consequence: frameshift variant.
Genome position (GRCh38, 1-based): chr17:31,181,762, A deleted. VCF-style (leftmost placement, unchanged base first): chr17-31181761-CA-C. GRCh37 (hg19) VCF-style: chr17-29508779-CA-C.
Other names: c.707delA, p.Gln236Argfs (NM_000267.4); c.707del, p.Gln236fs (NM_001128147.3); short protein forms Q236fs.
Identifiers: ClinVar variation 2862751 (VCV002862751.3), dbSNP rs2544750005, ClinGen allele CA2739267280.
Genomic context (GRCh38, chr17:31,181,761, plus strand): 5'-TATTTATAGGCATTTTGGAACTGGGTAGAAAATTATCCAGATGAATTTACAAAACTGTAC[CA>C]GATCCCACAGACTGATATGGCTGGTAAGGATACGATTGATTTTTTTTTTTTTTTTGTCTT-3'